The following is an entry in ClinVar:

ClinVar aggregate classification (germline): Benign. Review status: criteria provided, multiple submitters, no conflicts (2 of 4 stars). 3 submissions from 3 submitters: Benign (3). Last evaluated 2024-07-31.

Allele frequency attached by ClinVar (database versions not stated): gnomAD exomes 0.28145 and 0.28274; ExAC 0.29369; 1000 Genomes Project 0.34904; 1000 Genomes Project 30x 0.34947; ESP Exome Variant Server 0.35058; gnomAD 0.32686 and 0.32921; TOPMed 0.33707.
gnomAD v4.1: 427,166 of 1,490,304 alleles (29%); highest among the groups gnomAD compares: African/African-American, 49%; 64,663 homozygotes.

Submissions (3):

Unidad de Genómica Garrahan, Hospital de Pediatría Garrahan
Classification: Benign. Last evaluated: 2024-07-31. Review status: criteria provided, single submitter. Criteria: ACMG Guidelines, 2015. Collection method: clinical testing. Allele origin: germline. Affected: no. Observed: 33 variant alleles.
Comment: This variant is classified as Benign based on local population frequency. This variant was detected in 35% of patients studied in a panel designed for Epileptic and Developmental Encephalopathy, Progressive Myoclonus Epilepsy and Abnormal Movements and Neurodegeneration with brain iron accumulation. Number of patients: 33. Only high quality variants are reported.

GeneDx
Classification: Benign. Last evaluated: 2018-07-05. Review status: criteria provided, single submitter. Criteria: GeneDx Variant Classification Process June 2021. Collection method: clinical testing. Allele origin: germline. Affected: yes.

Breakthrough Genomics
Classification: Benign. Review status: criteria provided, single submitter. Criteria: ACMG Guidelines, 2015. Collection method: not provided. Allele origin: germline. Inheritance: Autosomal dominant inheritance. Affected: yes.

NM_182978.4(GNAL):c.504+35G>A

Gene: GNAL (G protein subunit alpha L; plus strand). Cytogenetic location: 18p11.21.
Variant type: single nucleotide variant.
Coding change: c.504+35G>A on transcript NM_182978.4 (MANE Select); 35 bases into the intron after coding-DNA position 504, G replaced by A.
Molecular consequence: intron variant.
Genome position (GRCh38, 1-based): chr18:11,753,717, G>A. VCF-style: chr18-11753717-G-A. GRCh37 (hg19) VCF-style: chr18-11753716-G-A.
Other names: c.273+35G>A (NM_001261443.2, NM_001142339.3, NM_001369387.1).
Identifiers: ClinVar variation 1287306 (VCV001287306.4), dbSNP rs8095592, ClinGen allele CA8893900.